The following is an entry in ClinVar:

ClinVar aggregate classification (germline): Benign/Likely benign. Review status: criteria provided, multiple submitters, no conflicts (2 of 4 stars). 3 submissions from 3 submitters: Benign (1); Likely benign (2). Last evaluated 2024-11-25.

Conditions:
Inborn genetic diseases. Identifiers: MedGen C0950123, MeSH D030342.
CHRNA4-related disorder. Also called: CHRNA4-related condition.
Familial sleep-related hypermotor epilepsy. Also called: Autosomal Dominant Sleep-Related Hypermotor (Hyperkinetic) Epilepsy. Identifiers: Orphanet 98784, MedGen C3696898, MONDO:0000030.

Allele frequency attached by ClinVar (database versions not stated): gnomAD 0.00006; TOPMed 0.00009; gnomAD exomes 0.00011; ExAC 0.00014; 1000 Genomes Project 30x 0.00016; 1000 Genomes Project 0.00020.
gnomAD v4.1: 67 of 1,613,956 alleles (0.0042%); highest among the groups gnomAD compares: East Asian, 0.087%; no homozygotes.

Submissions (3):

PreventionGenetics, part of Exact Sciences
Classification: Likely benign for CHRNA4-related condition. Last evaluated: 2024-11-25. Review status: criteria provided, single submitter. Criteria: ACMG Guidelines, 2015. Collection method: clinical testing. Allele origin: germline.
Comment: This variant is classified as likely benign based on ACMG/AMP sequence variant interpretation guidelines (Richards et al. 2015 PMID: 25741868, with internal and published modifications).

Labcorp Genetics (formerly Invitae), Labcorp
Classification: Benign. Last evaluated: 2024-07-11. Review status: criteria provided, single submitter. Criteria: Invitae Variant Classification Sherloc (09022015). Collection method: clinical testing. Allele origin: germline.

Ambry Genetics
Classification: Likely benign for Inborn genetic diseases. Last evaluated: 2018-10-15. Review status: criteria provided, single submitter. Criteria: Ambry Variant Classification Scheme 2023. Collection method: clinical testing. Allele origin: germline.

NM_000744.7(CHRNA4):c.711C>T (p.Phe237=)

Gene: CHRNA4 (cholinergic receptor nicotinic alpha 4 subunit; minus strand). Cytogenetic location: 20q13.33.
Variant type: single nucleotide variant.
Coding change: c.711C>T on transcript NM_000744.7 (MANE Select); coding-DNA position 711, C replaced by T.
Protein change: p.Phe237=; no amino-acid change (phenylalanine 237 retained).
Molecular consequence: synonymous variant. On other transcripts: non-coding transcript variant (1).
Genome position (GRCh38, 1-based): chr20:63,350,700, G>A on the plus strand (C>T on the coding strand, the complement: CHRNA4 is on the minus strand). VCF-style: chr20-63350700-G-A. GRCh37 (hg19) VCF-style: chr20-61982052-G-A.
Other names: c.183C>T, p.Phe61= (NM_001256573.2).
Identifiers: ClinVar variation 701504 (VCV000701504.13), dbSNP rs144446511, ClinGen allele CA9957748.